The following is an entry in ClinVar:

NM_001004301.4(ZNF813):c.233A>G (p.Glu78Gly)

Gene: ZNF813 (zinc finger protein 813; plus strand). Cytogenetic location: 19q13.42.
Variant type: single nucleotide variant.
Coding change: c.233A>G on transcript NM_001004301.4 (MANE Select); coding-DNA position 233, A replaced by G.
Protein change: p.Glu78Gly; replaces glutamic acid 78 with glycine.
Molecular consequence: missense variant.
Genome position (GRCh38, 1-based): chr19:53,490,465, A>G. VCF-style: chr19-53490465-A-G. GRCh37 (hg19) VCF-style: chr19-53993719-A-G.
Other names: short protein forms E78G.
Identifiers: ClinVar variation 2650410 (VCV002650410.24), dbSNP rs140217321, ClinGen allele CA9635615.

ClinVar aggregate classification (germline): Benign (1 of 4 stars; one submission).

Allele frequency attached by ClinVar (database versions not stated): 1000 Genomes Project 30x 0.00328; 1000 Genomes Project 0.00359; TOPMed 0.00736; ESP Exome Variant Server 0.00802; gnomAD 0.01036; ExAC 0.01065; gnomAD exomes 0.01174.
gnomAD v4.1: 18,785 of 1,614,188 alleles (1.2%); highest among the groups gnomAD compares: Non-Finnish European, 1.3%; 162 homozygotes.

Submission:

CeGaT Center for Human Genetics Tuebingen
Classification: Benign. Last evaluated: 2023-02-01. Review status: criteria provided, single submitter. Criteria: CeGaT Center For Human Genetics Tuebingen Variant Classification Criteria Version 2. Collection method: clinical testing. Allele origin: germline. Affected: yes. Observed: 1 variant allele.
Comment: ZNF813: BP4, BS1, BS2